The following is an entry in ClinVar:

NM_002500.5(NEUROD1):c.573T>A (p.Asn191Lys)

Gene: NEUROD1 (neuronal differentiation 1; minus strand). Cytogenetic location: 2q31.3.
Variant type: single nucleotide variant.
Coding change: c.573T>A on transcript NM_002500.5 (MANE Select); coding-DNA position 573, T replaced by A.
Protein change: p.Asn191Lys; replaces asparagine 191 with lysine.
Molecular consequence: missense variant.
Genome position (GRCh38, 1-based): chr2:181,678,288, A>T on the plus strand (T>A on the coding strand, the complement: NEUROD1 is on the minus strand). VCF-style: chr2-181678288-A-T. GRCh37 (hg19) VCF-style: chr2-182543015-A-T.
Other names: short protein forms N191K.
Identifiers: ClinVar variation 1493541 (VCV001493541.6), dbSNP rs2105594963, ClinGen allele CA349784239.
Genomic context (GRCh38, chr2:181,678,288, plus strand): 5'-GCTGGCCGTCGGCAGGTGGGGGGGCATGTCCTGGTTCTGCTCAGGCAGAAAAGTCCGAGG[A>T]TTGAGTTGCAGGCAGCCCGCAACCAGGTTGGTGGTGGGTTGGGATAAGCCCTTGCAAAGC-3'
Protein context (NP_002491.3, residues 181-201): TNLVAGCLQL[Asn191Lys]PRTFLPEQNQ

ClinVar aggregate classification (germline): Uncertain significance (1 of 4 stars; one submission).

Submission:

Labcorp Genetics (formerly Invitae), Labcorp
Classification: Uncertain significance. Last evaluated: 2021-07-27. Review status: criteria provided, single submitter. Criteria: Invitae Variant Classification Sherloc (09022015). Collection method: clinical testing. Allele origin: germline.
Comment: Algorithms developed to predict the effect of missense changes on protein structure and function (SIFT, PolyPhen-2, Align-GVGD) all suggest that this variant is likely to be disruptive. This variant has not been reported in the literature in individuals affected with NEUROD1-related conditions. This variant is not present in population databases (ExAC no frequency). This sequence change replaces asparagine with lysine at codon 191 of the NEUROD1 protein (p.Asn191Lys). The asparagine residue is highly conserved and there is a moderate physicochemical difference between asparagine and lysine. In summary, the available evidence is currently insufficient to determine the role of this variant in disease. Therefore, it has been classified as a Variant of Uncertain Significance.